The following is an entry in ClinVar:

NM_001042492.3(NF1):c.6667T>C (p.Cys2223Arg)

Gene: NF1 (neurofibromin 1; plus strand). Cytogenetic location: 17q11.2.
Variant type: single nucleotide variant.
Coding change: c.6667T>C on transcript NM_001042492.3 (MANE Select); coding-DNA position 6667, T replaced by C.
Protein change: p.Cys2223Arg; replaces cysteine 2223 with arginine.
Molecular consequence: missense variant.
Genome position (GRCh38, 1-based): chr17:31,337,843, T>C. VCF-style: chr17-31337843-T-C. GRCh37 (hg19) VCF-style: chr17-29664861-T-C.
Other names: c.6604T>C, p.Cys2202Arg (NM_000267.4); short protein forms C2223R, C2202R.
Identifiers: ClinVar variation 480198 (VCV000480198.13), dbSNP rs1192120725, ClinGen allele CA399013784.

ClinVar aggregate classification (germline): Uncertain significance. Review status: criteria provided, multiple submitters, no conflicts (2 of 4 stars). 3 submissions from 3 submitters: Uncertain significance (3). Last evaluated 2024-05-31.

Conditions:
Cardiovascular phenotype. Identifiers: MedGen CN230736.
Hereditary cancer-predisposing syndrome. Also called: Hereditary neoplastic syndrome; Neoplastic Syndromes, Hereditary; Tumor predisposition; Hereditary Cancer Syndrome. Identifiers: Orphanet 140162, MedGen C0027672, MeSH D009386, MONDO:0015356.
Neurofibromatosis, type 1 (NF1). Also called: VON RECKLINGHAUSEN DISEASE; Peripheral type neurofibromatosis; NEUROFIBROMATOSIS, TYPE I, SOMATIC; Neurofibromatosis, type I. Identifiers: Orphanet 636, MedGen C0027831, MONDO:0018975, OMIM 162200. Disease mechanism: loss of function.

Allele frequency attached by ClinVar (database versions not stated): gnomAD exomes below 0.00001; TOPMed below 0.00001; gnomAD 0.00001.
gnomAD v4.1: 6 of 1,613,900 alleles (0.00037%); highest among the groups gnomAD compares: Non-Finnish European, 0.00051%; no homozygotes.

Submissions (3):

Labcorp Genetics (formerly Invitae), Labcorp
Classification: Uncertain significance for Neurofibromatosis, type 1. Last evaluated: 2024-05-31. Review status: criteria provided, single submitter. Criteria: Invitae Variant Classification Sherloc (09022015). Collection method: clinical testing. Allele origin: germline.
Comment: This sequence change replaces cysteine, which is neutral and slightly polar, with arginine, which is basic and polar, at codon 2202 of the NF1 protein (p.Cys2202Arg). This variant is not present in population databases (gnomAD no frequency). This variant has not been reported in the literature in individuals affected with NF1-related conditions. ClinVar contains an entry for this variant (Variation ID: 480198). Advanced modeling of protein sequence and biophysical properties (such as structural, functional, and spatial information, amino acid conservation, physicochemical variation, residue mobility, and thermodynamic stability) has been performed at Invitae for this missense variant, however the output from this modeling did not meet the statistical confidence thresholds required to predict the impact of this variant on NF1 protein function. In summary, the available evidence is currently insufficient to determine the role of this variant in disease. Therefore, it has been classified as a Variant of Uncertain Significance.

Ambry Genetics
Classification: Uncertain significance for Cardiovascular phenotype; Hereditary cancer-predisposing syndrome. Last evaluated: 2023-11-20. Review status: criteria provided, single submitter. Criteria: Ambry Variant Classification Scheme 2023. Collection method: clinical testing. Allele origin: germline.
Comment: The p.C2202R variant (also known as c.6604T>C), located in coding exon 43 of the NF1 gene, results from a T to C substitution at nucleotide position 6604. The cysteine at codon 2202 is replaced by arginine, an amino acid with highly dissimilar properties. This amino acid position is highly conserved in available vertebrate species. In addition, the in silico prediction for this alteration is inconclusive. Since supporting evidence is limited at this time, the clinical significance of this alteration remains unclear.

Genome-Nilou Lab
Classification: Uncertain significance for Neurofibromatosis, type 1. Last evaluated: 2022-03-15. Review status: criteria provided, single submitter. Criteria: ACMG Guidelines, 2015. Collection method: clinical testing. Allele origin: germline. Affected: no.